The following is an entry in ClinVar:

ClinVar aggregate classification (germline): Uncertain significance (1 of 4 stars; one submission).

Submission:

Ambry Genetics
Classification: Uncertain significance. Last evaluated: 2024-12-12. Review status: criteria provided, single submitter. Criteria: Ambry Variant Classification Scheme 2023. Collection method: clinical testing. Allele origin: germline.
Comment: The p.P700Q variant (also known as c.2099C>A), located in coding exon 9 of the WNK2 gene, results from a C to A substitution at nucleotide position 2099. The proline at codon 700 is replaced by glutamine, an amino acid with similar properties. This amino acid position is conserved. In addition, this alteration is predicted to be tolerated by in silico analysis. Based on the available evidence, the clinical significance of this variant remains unclear.

NM_006648.4(WNK2):c.2099C>A (p.Pro700Gln)

Gene: WNK2 (WNK lysine deficient protein kinase 2; plus strand). Cytogenetic location: 9q22.31.
Variant type: single nucleotide variant.
Coding change: c.2099C>A on transcript NM_006648.4 (MANE Select); coding-DNA position 2099, C replaced by A.
Protein change: p.Pro700Gln; replaces proline 700 with glutamine.
Molecular consequence: missense variant.
Genome position (GRCh38, 1-based): chr9:93,256,363, C>A. VCF-style: chr9-93256363-C-A. GRCh37 (hg19) VCF-style: chr9-96018645-C-A.
Other names: c.2099C>A, p.Pro700Gln (NM_001282394.3); short protein forms P700Q.
Identifiers: ClinVar variation 3816446 (VCV003816446.1).